The following is an entry in ClinVar:

ClinVar aggregate classification (germline): Likely pathogenic (1 of 4 stars; one submission).

Conditions:
Congenital microcephaly - severe encephalopathy - progressive cerebral atrophy syndrome. Also called: ASNS DEFICIENCY; Asparagine synthetase deficiency. Identifiers: Orphanet 391376, MedGen C3809971, MONDO:0014258, OMIM 615574.

Submission:

Natera, Inc.
Classification: Likely pathogenic for Asparagine synthetase deficiency. Last evaluated: 2024-12-03. Review status: criteria provided, single submitter. Criteria: Natera Variant Classification Schema (03/2026). Collection method: clinical testing. Allele origin: germline.
Comment: The c.1128_1131del variant in ASNS is a frameshift variant predicted to shift the reading frame beginning at codon 377 and leads to a stop codon 17 codons downstream. This variant is expected to result in nonsense mediated decay, truncation, or a dysfunctional protein product. This variant is rare in the general population with a frequency below the threshold expected for the associated phenotype(s). Given the available evidence, this variant is classified as Likely Pathogenic.

NM_001673.5(ASNS):c.1128_1131del (p.Phe377fs)

Genes: ASNS (asparagine synthetase (glutamine-hydrolyzing); minus strand), CZ1P-ASNS (CZ1P-ASNS readthrough; minus strand). Cytogenetic location: 7q21.3.
Variant type: Deletion.
Coding change: c.1128_1131del on transcript NM_001673.5 (MANE Select); coding-DNA positions 1128 to 1131, 4 bases deleted (TTTT; older notation c.1128_1131delTTTT).
Protein change: p.Phe377fs; shifts the reading frame from phenylalanine 377.
Molecular consequence: frameshift variant. On other transcripts: non-coding transcript variant (1).
Genome position (GRCh38, 1-based): chr7:97,855,359-97,855,362, AAAA deleted on the plus strand (TTTT on the coding strand, the reverse complement: ASNS is on the minus strand). VCF-style (leftmost placement, unchanged base first): chr7-97855358-GAAAA-G. GRCh37 (hg19) VCF-style: chr7-97484670-GAAAA-G.
Other names: c.879_882del, p.Phe294fs (NM_001178077.1, NM_001178076.2); c.1128_1131del, p.Phe377fs (NM_001352496.2, NM_133436.3, NM_183356.4); c.1065_1068del, p.Phe356fs (NM_001178075.2); short protein forms F294fs, F356fs, F377fs.
Identifiers: ClinVar variation 4816499 (VCV004816499.1).
Genomic context (GRCh38, chr7:97,855,358, plus strand): 5'-CAATTCATACTTTTCTTAATATAGCATGAATATCCCTCCACTTCAGAGTGGTTACCTTGT[GAAAA>G]TATATGTAACCCTGCGTAAGTTCATCTGATCCTTCTCCAGAGAAGATCACCACGCTATCT-3'